The following is an entry in ClinVar:

NM_000410.4(HFE):c.20C>G (p.Pro7Arg)

Genes: HFE (homeostatic iron regulator; plus strand), HFE-AS1 (HFE antisense RNA 1; minus strand). Cytogenetic location: 6p22.2.
Variant type: single nucleotide variant.
Coding change: c.20C>G on transcript NM_000410.4 (MANE Select); coding-DNA position 20, C replaced by G.
Protein change: p.Pro7Arg; replaces proline 7 with arginine.
Molecular consequence: missense variant. On other transcripts: non-coding transcript variant (1).
Genome position (GRCh38, 1-based): chr6:26,087,460, C>G. VCF-style: chr6-26087460-C-G. GRCh37 (hg19) VCF-style: chr6-26087688-C-G.
Other names: c.20C>G, p.Pro7Arg (NM_001300749.3, NM_001384164.1, NM_001406751.1 and 9 more transcripts); short protein forms P7R.
Identifiers: ClinVar variation 1317189 (VCV001317189.6), dbSNP rs766754409, ClinGen allele CA3666554.
Genomic context (GRCh38, chr6:26,087,460, plus strand): 5'-AAGCGGAGATTTAACGGGGACGTGCGGCCAGAGCTGGGGAAATGGGCCCGCGAGCCAGGC[C>G]GGCGCTTCTCCTCCTGATGCTTTTGCAGACCGCGGTCCTGCAGGGGCGCTTGCTGCGTGA-3'
Protein context (NP_000401.1, residues 1-17): MGPRAR[Pro7Arg]ALLLLMLLQT

ClinVar aggregate classification (germline): Uncertain significance. Review status: criteria provided, multiple submitters, no conflicts (2 of 4 stars). 2 submissions from 2 submitters: Uncertain significance (2). Last evaluated 2025-01-02.

Conditions:
Hereditary hemochromatosis (HFE). Identifiers: MedGen C0392514, MONDO:0006507. Disease mechanism: loss of function.

Allele frequency attached by ClinVar (database versions not stated): gnomAD 0.00001; ExAC 0.00003; gnomAD exomes 0.00003.
gnomAD v4.1: 38 of 1,613,966 alleles (0.0024%); highest among the groups gnomAD compares: South Asian, 0.015%; 1 homozygote.

Submissions (2):

Labcorp Genetics (formerly Invitae), Labcorp
Classification: Uncertain significance for Hereditary hemochromatosis. Last evaluated: 2025-01-02. Review status: criteria provided, single submitter. Criteria: Invitae Variant Classification Sherloc (09022015). Collection method: clinical testing. Allele origin: germline.
Comment: This sequence change replaces proline, which is neutral and non-polar, with arginine, which is basic and polar, at codon 7 of the HFE protein (p.Pro7Arg). This variant is present in population databases (rs766754409, gnomAD 0.02%). This variant has not been reported in the literature in individuals affected with HFE-related conditions. ClinVar contains an entry for this variant (Variation ID: 1317189). An algorithm developed to predict the effect of missense changes on protein structure and function outputs the following: PolyPhen-2: "Benign". The arginine amino acid residue is found in multiple mammalian species, which suggests that this missense change does not adversely affect protein function. In summary, the available evidence is currently insufficient to determine the role of this variant in disease. Therefore, it has been classified as a Variant of Uncertain Significance.

GeneDx
Classification: Uncertain significance. Last evaluated: 2019-07-09. Review status: criteria provided, single submitter. Criteria: GeneDx Variant Classification Process June 2021. Collection method: clinical testing. Allele origin: germline. Affected: yes.